The following is an entry in ClinVar:

ClinVar aggregate classification (germline): Uncertain significance. Review status: criteria provided, multiple submitters, no conflicts (2 of 4 stars). 2 submissions from 2 submitters: Uncertain significance (2). Last evaluated 2025-01-06.

Conditions:
Inborn genetic diseases. Identifiers: MedGen C0950123, MeSH D030342.

Allele frequency attached by ClinVar (database versions not stated): TOPMed 0.00001; gnomAD 0.00002.
gnomAD v4.1: 15 of 1,583,604 alleles (0.00095%); highest among the groups gnomAD compares: East Asian, 0.012%; no homozygotes.

Submissions (2):

Women's Health and Genetics/Laboratory Corporation of America, LabCorp
Classification: Uncertain significance. Last evaluated: 2025-01-06. Review status: criteria provided, single submitter. Criteria: LabCorp Variant Classification Summary - May 2015. Collection method: clinical testing. Allele origin: germline.
Comment: Variant summary: CCDC88C c.622G>A (p.Glu208Lys) results in a conservative amino acid change in the encoded protein sequence. Three of five in-silico tools predict a damaging effect of the variant on protein function. The variant allele was found at a frequency of 1e-05 in 199384 control chromosomes. The available data on variant occurrences in the general population are insufficient to allow any conclusion about variant significance. c.622G>A has been reported in the literature in at least one individual affected with CCDC88C-Related Disorders (Chen_2024). These report(s) do not provide unequivocal conclusions about association of the variant with CCDC88C-Related Disorders. To our knowledge, no experimental evidence demonstrating an impact on protein function has been reported. The following publication have been ascertained in the context of this evaluation (PMID: 38173219). ClinVar contains an entry for this variant (Variation ID: 2490448). Based on the evidence outlined above, the variant was classified as uncertain significance.

Ambry Genetics
Classification: Uncertain significance for Inborn genetic diseases. Last evaluated: 2023-02-28. Review status: criteria provided, single submitter. Criteria: Ambry Variant Classification Scheme 2023. Collection method: clinical testing. Allele origin: germline.

Literature cited by the submitters: PubMed 38173219 (cited by Women's Health and Genetics/Laboratory Corporation of America, LabCorp).

NM_001080414.4(CCDC88C):c.622G>A (p.Glu208Lys)

Gene: CCDC88C (coiled-coil domain containing 88C; minus strand). Cytogenetic location: 14q32.11.
Variant type: single nucleotide variant.
Coding change: c.622G>A on transcript NM_001080414.4 (MANE Select); coding-DNA position 622, G replaced by A.
Protein change: p.Glu208Lys; replaces glutamic acid 208 with lysine.
Molecular consequence: missense variant.
Genome position (GRCh38, 1-based): chr14:91,339,886, C>T on the plus strand (G>A on the coding strand, the complement: CCDC88C is on the minus strand). VCF-style: chr14-91339886-C-T. GRCh37 (hg19) VCF-style: chr14-91806230-C-T.
Other names: short protein forms E208K.
Identifiers: ClinVar variation 2490448 (VCV002490448.4), dbSNP rs1232245530, ClinGen allele CA390613323.
Genomic context (GRCh38, chr14:91,339,886, plus strand): 5'-AGATGAAGGGGCCTAAGCCCCTTCCCAGGCTGACCGGGCCACCGACCCGCGGACGCACCT[C>T]GGTGCACTCGTCCCGCTGGTCGATGAGCCTCCGCAGGTGGAGCACCATGCTCCTCGACAG-3'
Protein context (NP_001073883.2, residues 198-218): RLIDQRDECT[Glu208Lys]LIVDLTQERD